The following is an entry in ClinVar:

NM_001010867.4(IBA57):c.341+4A>C

Gene: IBA57 (iron-sulfur cluster assembly factor IBA57; plus strand). Cytogenetic location: 1q42.13.
Variant type: single nucleotide variant.
Coding change: c.341+4A>C on transcript NM_001010867.4 (MANE Select); 4 bases into the intron after coding-DNA position 341, A replaced by C.
Molecular consequence: intron variant.
Genome position (GRCh38, 1-based): chr1:228,166,161, A>C. VCF-style: chr1-228166161-A-C. GRCh37 (hg19) VCF-style: chr1-228353862-A-C.
Identifiers: ClinVar variation 2024128 (VCV002024128.4), dbSNP rs536036624, ClinGen allele CA2580062261.

ClinVar aggregate classification (germline): Uncertain significance (1 of 4 stars; one submission).

Conditions:
Multiple mitochondrial dysfunctions syndrome 3 (MMDS3). Identifiers: Orphanet 363424, MedGen C3809165, MONDO:0014132, OMIM 615330.
Hereditary spastic paraplegia 74. Also called: Spastic paraplegia 74, autosomal recessive. Identifiers: Orphanet 468661, MedGen C5568837, MONDO:0014644, OMIM 616451.

gnomAD v4.1: 5 of 1,475,518 alleles (0.00034%); highest among the groups gnomAD compares: East Asian, 0.0027%; no homozygotes.

Submission:

Labcorp Genetics (formerly Invitae), Labcorp
Classification: Uncertain significance for Multiple mitochondrial dysfunctions syndrome 3; Hereditary spastic paraplegia 74. Last evaluated: 2022-07-26. Review status: criteria provided, single submitter. Criteria: Invitae Variant Classification Sherloc (09022015). Collection method: clinical testing. Allele origin: germline.
Comment: In summary, the available evidence is currently insufficient to determine the role of this variant in disease. Therefore, it has been classified as a Variant of Uncertain Significance. Variants that disrupt the consensus splice site are a relatively common cause of aberrant splicing (PMID: 17576681, 9536098). Algorithms developed to predict the effect of sequence changes on RNA splicing suggest that this variant may create or strengthen a splice site. This variant has not been reported in the literature in individuals affected with IBA57-related conditions. This variant is not present in population databases (gnomAD no frequency). This sequence change falls in intron 1 of the IBA57 gene. It does not directly change the encoded amino acid sequence of the IBA57 protein. It affects a nucleotide within the consensus splice site.

Literature cited by the submitters: PubMed 17576681; PubMed 9536098.